The following is an entry in ClinVar:

ClinVar aggregate classification (germline): Likely pathogenic (1 of 4 stars; one submission).

Submission:

Mayo Clinic Laboratories, Mayo Clinic
Classification: Likely pathogenic. Last evaluated: 2021-08-16. Review status: criteria provided, single submitter. Criteria: ACMG Guidelines, 2015. Collection method: clinical testing. Allele origin: germline.
Comment: PM2, PVS1

Literature cited by the submitters: PubMed 32596782.

NM_000132.4(F8):c.1327_1339del (p.Lys443fs)

Gene: F8 (coagulation factor VIII; minus strand). Cytogenetic location: Xq28.
Variant type: Deletion.
Coding change: c.1327_1339del on transcript NM_000132.4 (MANE Select); coding-DNA positions 1327 to 1339, 13 bases deleted (AAAAAAGTCCGAT).
Protein change: p.Lys443fs; shifts the reading frame from lysine 443.
Molecular consequence: frameshift variant.
Genome position (GRCh38, 1-based): chrX:154,966,074-154,966,086, ATCGGACTTTTTT deleted on the plus strand (AAAAAAGTCCGAT on the coding strand, the reverse complement: F8 is on the minus strand). VCF-style (leftmost placement, unchanged base first): chrX-154966073-AATCGGACTTTTTT-A. GRCh37 (hg19) VCF-style: chrX-154194348-AATCGGACTTTTTT-A.
Other names: p.Lys443Leufs*35; short protein forms K443fs.
Identifiers: ClinVar variation 1705975 (VCV001705975.4), dbSNP rs2523950340, ClinGen allele CA2580101786.